The following is an entry in ClinVar:

ClinVar aggregate classification (germline): Uncertain significance. Review status: reviewed by expert panel (3 of 4 stars). 2 submissions from 2 submitters: Uncertain significance (1). 1 of the submissions does not count toward it. Last evaluated 2025-01-15.

Conditions:
Hereditary thrombocytopenia and hematological cancer predisposition syndrome associated with RUNX1. Also called: Familial Platelet Disorder with Propensity to Acute Myelogenous Leukemia; Familial thrombocytopenia with propensity to acute myelogenous leukemia; PLATELET DISORDER, ASPIRIN-LIKE; RUNX1 Familial Platelet Disorder with Associated Myeloid Malignancies. Identifiers: Orphanet 71290, MedGen C1832388, MeSH C563324, MONDO:0100083, OMIM 601399.
Hereditary thrombocytopenia and hematologic cancer predisposition syndrome. Identifiers: Orphanet 71290, MedGen CN281654, MONDO:0011071.

Submissions (2):

ClinGen Myeloid Malignancy Variant Curation Expert Panel
Classification: Uncertain significance for Hereditary thrombocytopenia and hematologic cancer predisposition syndrome. Last evaluated: 2025-01-15. Review status: reviewed by expert panel. Criteria: ClinGen MyeloMalig ACMG Specifications v2. Collection method: curation. Allele origin: germline. Inheritance: Autosomal dominant inheritance.
Comment: NM_001754.5(RUNX1):c.993C>A (p.Ser331Arg) is a missense variant which has a REVEL score < 0.50 (0.144), and a SpliceAI score ≤ 0.20 (0.0) (BP4). This variant is completely absent from all population databases with at least 20x coverage for RUNX1 (PM2_Supporting). In summary, the clinical significance of this variant is uncertain. ACMG/AMP criteria applied, as specified by the Myeloid Malignancy Variant Curation Expert Panel for RUNX1: BP4, PM2_supporting.

Labcorp Genetics (formerly Invitae), Labcorp
Classification: Uncertain significance for Hereditary thrombocytopenia and hematological cancer predisposition syndrome associated with RUNX1. Last evaluated: 2025-01-11. Review status: criteria provided, single submitter. Criteria: Invitae Variant Classification Sherloc (09022015). Collection method: clinical testing. Allele origin: germline. Not counted in ClinVar's aggregate classification.
Comment: This sequence change replaces serine, which is neutral and polar, with arginine, which is basic and polar, at codon 331 of the RUNX1 protein (p.Ser331Arg). This variant is not present in population databases (gnomAD no frequency). This variant has not been reported in the literature in individuals affected with RUNX1-related conditions. ClinVar contains an entry for this variant (Variation ID: 2717108). Invitae Evidence Modeling of protein sequence and biophysical properties (such as structural, functional, and spatial information, amino acid conservation, physicochemical variation, residue mobility, and thermodynamic stability) has been performed for this missense variant. However, the output from this modeling did not meet the statistical confidence thresholds required to predict the impact of this variant on RUNX1 protein function. In summary, the available evidence is currently insufficient to determine the role of this variant in disease. Therefore, it has been classified as a Variant of Uncertain Significance.

NM_001754.5(RUNX1):c.993C>A (p.Ser331Arg)

Gene: RUNX1 (RUNX family transcription factor 1; minus strand). Cytogenetic location: 21q22.12.
Variant type: single nucleotide variant.
Coding change: c.993C>A on transcript NM_001754.5 (MANE Select); coding-DNA position 993, C replaced by A.
Protein change: p.Ser331Arg; replaces serine 331 with arginine.
Molecular consequence: missense variant.
Genome position (GRCh38, 1-based): chr21:34,792,585, G>T on the plus strand (C>A on the coding strand, the complement: RUNX1 is on the minus strand). VCF-style: chr21-34792585-G-T. GRCh37 (hg19) VCF-style: chr21-36164882-G-T.
Other names: NM_001754.5(RUNX1):c.993C>A; p.Ser331Arg; c.912C>A, p.Ser304Arg (NM_001001890.3); short protein forms S304R, S331R.
Identifiers: ClinVar variation 2717108 (VCV002717108.4), dbSNP rs2145878228, ClinGen allele CA410148731.